The following is an entry in ClinVar:

NM_007055.4(POLR3A):c.857T>A (p.Ile286Asn)

Gene: POLR3A (RNA polymerase III subunit A; minus strand). Cytogenetic location: 10q22.3.
Variant type: single nucleotide variant.
Coding change: c.857T>A on transcript NM_007055.4 (MANE Select); coding-DNA position 857, T replaced by A.
Protein change: p.Ile286Asn; replaces isoleucine 286 with asparagine.
Molecular consequence: missense variant.
Genome position (GRCh38, 1-based): chr10:78,022,173, A>T on the plus strand (T>A on the coding strand, the complement: POLR3A is on the minus strand). VCF-style: chr10-78022173-A-T. GRCh37 (hg19) VCF-style: chr10-79781931-A-T.
Other names: short protein forms I286N.
Identifiers: ClinVar variation 4856239 (VCV004856239.1).

ClinVar aggregate classification (germline): Uncertain significance (1 of 4 stars; one submission).

Conditions:
Leukodystrophy, hypomyelinating, 7, with or without oligodontia and/or hypogonadotropic hypogonadism (HLD7). Also called: LEUKOENCEPHALOPATHY, HYPOMYELINATING, WITH ATAXIA AND DELAYED DENTITION; ATAXIA, DELAYED DENTITION, AND HYPOMYELINATION; LEUKODYSTROPHY, HYPOMYELINATING, 7, WITH OLIGODONTIA; LEUKODYSTROPHY, HYPOMYELINATING, 7, WITH OLIGODONTIA AND HYPOGONADOTROPIC HYPOGONADISM; LEUKODYSTROPHY, HYPOMYELINATING, 7, WITHOUT OLIGODONTIA OR HYPOGONADOTROPIC HYPOGONADISM; Ataxia, Delayed Dentition and Hypomyelination (ADDH). Identifiers: Orphanet 137639, Orphanet 447893, Orphanet 447896, Orphanet 77295, Orphanet 88637, MedGen CN034185, MONDO:0011897, OMIM 607694.

Submission:

3billion
Classification: Uncertain significance for Leukodystrophy, hypomyelinating, 7, with or without oligodontia and/or hypogonadotropic hypogonadism. Last evaluated: 2025-05-12. Review status: criteria provided, single submitter. Criteria: ACMG Guidelines, 2015. Collection method: clinical testing. Allele origin: germline. Affected: yes.
Comment: The variant is not observed in the gnomAD v4.1.0 dataset. Predicted Consequence/Location: Missense variant. The majority of the known disease-causing variants of this gene are variants expected to result in premature termination of the protein. In silico tool predictions suggest damaging effect of the variant on gene or gene product [REVEL: 0.73 (>=0.6, sensitivity 0.68 and specificity 0.92); 3Cnet: 0.93 (> 0.75, sensitivity 0.96 and precision 0.92)]. Therefore, this variant is classified as VUS according to the recommendation of ACMG/AMP guideline.